The following is an entry in ClinVar:

ClinVar aggregate classification (germline): Uncertain significance. Review status: criteria provided, multiple submitters, no conflicts (2 of 4 stars). 2 submissions from 2 submitters: Uncertain significance (2). Last evaluated 2025-07-03.

Conditions:
Hereditary pancreatitis (PCTT). Also called: Hereditary chronic pancreatitis; PRSS1-Related Hereditary Pancreatitis. Identifiers: Orphanet 676, MedGen C0238339, MONDO:0008185, OMIM 167800.

Submissions (2):

Ambry Genetics
Classification: Uncertain significance for Hereditary pancreatitis. Last evaluated: 2025-07-03. Review status: criteria provided, single submitter. Criteria: Ambry Variant Classification Scheme 2023. Collection method: clinical testing. Allele origin: germline.
Comment: The p.A31G variant (also known as c.92C>G), located in coding exon 2 of the CPA1 gene, results from a C to G substitution at nucleotide position 92. The alanine at codon 31 is replaced by glycine, an amino acid with similar properties. This amino acid position is conserved. In addition, this alteration is predicted to be tolerated by in silico analysis. Based on the available evidence, the clinical significance of this variant remains unclear.

Labcorp Genetics (formerly Invitae), Labcorp
Classification: Uncertain significance. Last evaluated: 2020-01-29. Review status: criteria provided, single submitter. Criteria: Invitae Variant Classification Sherloc (09022015). Collection method: clinical testing. Allele origin: germline.
Comment: In summary, the available evidence is currently insufficient to determine the role of this variant in disease. Therefore, it has been classified as a Variant of Uncertain Significance. Algorithms developed to predict the effect of missense changes on protein structure and function (SIFT, PolyPhen-2, Align-GVGD) all suggest that this variant is likely to be tolerated, but these predictions have not been confirmed by published functional studies and their clinical significance is uncertain. This variant has not been reported in the literature in individuals with CPA1-related conditions. This variant is not present in population databases (ExAC no frequency). This sequence change replaces alanine with glycine at codon 31 of the CPA1 protein (p.Ala31Gly). The alanine residue is weakly conserved and there is a small physicochemical difference between alanine and glycine.

NM_001868.4(CPA1):c.92C>G (p.Ala31Gly)

Gene: CPA1 (carboxypeptidase A1; plus strand). Cytogenetic location: 7q32.2.
Variant type: single nucleotide variant.
Coding change: c.92C>G on transcript NM_001868.4 (MANE Select); coding-DNA position 92, C replaced by G.
Protein change: p.Ala31Gly; replaces alanine 31 with glycine.
Molecular consequence: missense variant.
Genome position (GRCh38, 1-based): chr7:130,381,124, C>G. VCF-style: chr7-130381124-C-G. GRCh37 (hg19) VCF-style: chr7-130020965-C-G.
Other names: c.92C>G (NM_001868.2); short protein forms A31G.
Identifiers: ClinVar variation 1000402 (VCV001000402.10), dbSNP rs1796397483, ClinGen allele CA369279215.
Genomic context (GRCh38, chr7:130,381,124, plus strand): 5'-TTGGGTGCTCACTCCCCACTCCCACTCTGCCCAGGCATCAGGTGCTCCGAATCTCTGTAG[C>G]CGATGAGGCCCAGGTACAGAAGGTGAAGGAGCTGGAGGACCTGGAGCACCTGCAGGTCAG-3'
Protein context (NP_001859.1, residues 21-41): VGHQVLRISV[Ala31Gly]DEAQVQKVKE